The following is an entry in ClinVar:

ClinVar aggregate classification (germline): Uncertain significance (1 of 4 stars; one submission).

Submission:

Labcorp Genetics (formerly Invitae), Labcorp
Classification: Uncertain significance. Last evaluated: 2024-02-15. Review status: criteria provided, single submitter. Criteria: Invitae Variant Classification Sherloc (09022015). Collection method: clinical testing. Allele origin: germline.
Comment: This sequence change replaces alanine, which is neutral and non-polar, with valine, which is neutral and non-polar, at codon 381 of the NFKB1 protein (p.Ala381Val). The frequency data for this variant in the population databases is considered unreliable, as metrics indicate poor data quality at this position in the gnomAD database. This variant has not been reported in the literature in individuals affected with NFKB1-related conditions. An algorithm developed to predict the effect of missense changes on protein structure and function (PolyPhen-2) suggests that this variant is likely to be tolerated. In summary, the available evidence is currently insufficient to determine the role of this variant in disease. Therefore, it has been classified as a Variant of Uncertain Significance.

NM_003998.4(NFKB1):c.1142_1143delinsTC (p.Ala381Val)

Gene: NFKB1 (nuclear factor kappa B subunit 1; plus strand). Cytogenetic location: 4q24.
Variant type: Indel.
Coding change: c.1142_1143delinsTC on transcript NM_003998.4 (MANE Select); coding-DNA positions 1142 to 1143, CT replaced by TC.
Protein change: p.Ala381Val; replaces alanine 381 with valine.
Molecular consequence: missense variant.
Genome position (GRCh38, 1-based): chr4:102,593,500-102,593,501, CT replaced by TC. VCF-style: chr4-102593500-CT-TC. GRCh37 (hg19) VCF-style: chr4-103514657-CT-TC.
Other names: c.1139_1140delinsTC, p.Ala380Val (NM_001165412.2, NM_001319226.2, NM_001382627.1); c.1142_1143delinsTC, p.Ala381Val (NM_001382625.1, NM_001382626.1); c.1100_1101delinsTC, p.Ala367Val (NM_001382628.1); short protein forms A367V, A380V, A381V.
Identifiers: ClinVar variation 3641005 (VCV003641005.2).